The following is an entry in ClinVar:

ClinVar aggregate classification (germline): Likely benign. Review status: criteria provided, multiple submitters, no conflicts (2 of 4 stars). 2 submissions from 2 submitters: Likely benign (2). Last evaluated 2023-10-12.

Conditions:
Arrhythmogenic right ventricular dysplasia 8 (ARVD8). Also called: Arrhythmogenic Right Ventricular Dysplasia/Cardiomyopathy 8; ARRHYTHMOGENIC RIGHT VENTRICULAR DYSPLASIA, FAMILIAL, 8; ARRHYTHMOGENIC RIGHT VENTRICULAR CARDIOMYOPATHY 8. Identifiers: MedGen C1843896, MONDO:0011831, OMIM 607450.
Arrhythmogenic cardiomyopathy with wooly hair and keratoderma. Also called: PALMOPLANTAR KERATODERMA WITH LEFT VENTRICULAR CARDIOMYOPATHY AND WOOLLY HAIR; Carvajal syndrome; Dilated cardiomyopathy with woolly hair and keratoderma; Arrhythmogenic cardiomyopathy with woolly hair and keratoderma. Identifiers: Orphanet 65282, MedGen C1854063, MONDO:0011581, OMIM 605676.

Allele frequency attached by ClinVar (database versions not stated): gnomAD exomes below 0.00001.
gnomAD v4.1: 1 of 1,614,072 alleles (0.000062%); highest among the groups gnomAD compares: Non-Finnish European, 0.000085%; no homozygotes.

Submissions (2):

All of Us Research Program, National Institutes of Health
Classification: Likely benign for Arrhythmogenic cardiomyopathy with wooly hair and keratoderma. Last evaluated: 2023-10-12. Review status: criteria provided, single submitter. Criteria: ACMG Guidelines, 2015. Collection method: clinical testing. Allele origin: germline. Inheritance: Autosomal dominant inheritance. Observed: 1 variant allele, 1 heterozygote.
Comment: This study involves interpretation of variants in research participants for the purpose of population health screening. Participant phenotype was not available at the time of variant classification. Additional details can be found in publication PMID: 35346344, PMCID: PMC8962531

Labcorp Genetics (formerly Invitae), Labcorp
Classification: Likely benign for Arrhythmogenic cardiomyopathy with wooly hair and keratoderma; Arrhythmogenic right ventricular dysplasia 8. Last evaluated: 2023-03-26. Review status: criteria provided, single submitter. Criteria: Invitae Variant Classification Sherloc (09022015). Collection method: clinical testing. Allele origin: germline.

NM_004415.4(DSP):c.1639C>T (p.Leu547=)

Gene: DSP (desmoplakin; plus strand). Cytogenetic location: 6p24.3.
Variant type: single nucleotide variant.
Coding change: c.1639C>T on transcript NM_004415.4 (MANE Select); coding-DNA position 1639, C replaced by T.
Protein change: p.Leu547=; no amino-acid change (leucine 547 retained).
Molecular consequence: synonymous variant.
Genome position (GRCh38, 1-based): chr6:7,570,501, C>T. VCF-style: chr6-7570501-C-T. GRCh37 (hg19) VCF-style: chr6-7570734-C-T.
Other names: c.1639C>T, p.Leu547= (NM_001008844.3, NM_001319034.2).
Identifiers: ClinVar variation 2937231 (VCV002937231.4), dbSNP rs2533890431, ClinGen allele CA448523964.